The following is an entry in ClinVar:

NM_006121.4(KRT1):c.485T>C (p.Leu162Pro)

Gene: KRT1 (keratin 1; minus strand). Cytogenetic location: 12q13.13.
Variant type: single nucleotide variant.
Coding change: c.485T>C on transcript NM_006121.4 (MANE Select); coding-DNA position 485, T replaced by C.
Protein change: p.Leu162Pro; replaces leucine 162 with proline.
Molecular consequence: missense variant.
Genome position (GRCh38, 1-based): chr12:52,679,864, A>G on the plus strand (T>C on the coding strand, the complement: KRT1 is on the minus strand). VCF-style: chr12-52679864-A-G. GRCh37 (hg19) VCF-style: chr12-53073648-A-G.
Other names: short protein forms L162P.
Identifiers: ClinVar variation 3253565 (VCV003253565.2), dbSNP rs2498637831.

ClinVar aggregate classification (germline): Conflicting classifications of pathogenicity. Review status: criteria provided, conflicting classifications (1 of 4 stars). 2 submissions from 2 submitters: Likely pathogenic (1); Uncertain significance (1). Last evaluated 2024-06-07.

Conditions:
KRT1-related disorder. Also called: KRT1-related condition.

Submissions (2):

GeneDx
Classification: Uncertain significance. Last evaluated: 2024-06-07. Review status: criteria provided, single submitter. Criteria: GeneDx Variant Classification Process June 2021. Collection method: clinical testing. Allele origin: germline. Affected: yes.
Comment: Not observed at significant frequency in large population cohorts (gnomAD); In silico analysis supports that this missense variant has a deleterious effect on protein structure/function; This variant is associated with the following publications: (PMID: 29444371)

Blueprint Genetics
Classification: Likely pathogenic for KRT1-related disorders. Last evaluated: 2023-08-24. Review status: criteria provided, single submitter. Criteria: ACMG Guidelines, 2015. Collection method: clinical testing. Allele origin: germline. Affected: yes. Observed: 1 variant allele.